The following is an entry in ClinVar:

NM_000535.7(PMS2):c.2446-15G>A

Gene: PMS2 (PMS1 homolog 2, mismatch repair system component; minus strand). Cytogenetic location: 7p22.1.
Variant type: single nucleotide variant.
Coding change: c.2446-15G>A on transcript NM_000535.7 (MANE Select); 15 bases into the intron before coding-DNA position 2446, G replaced by A.
Molecular consequence: intron variant.
Genome position (GRCh38, 1-based): chr7:5,973,557, C>T on the plus strand (G>A on the coding strand, the complement: PMS2 is on the minus strand). VCF-style: chr7-5973557-C-T. GRCh37 (hg19) VCF-style: chr7-6013188-C-T.
Other names: c.2128-15G>A (NM_001322008.2, NM_001322007.2); c.1885-15G>A (NM_001322010.2); c.2041-15G>A (NM_001322004.2, NM_001322003.2, NM_001322005.2); c.1873-15G>A (NM_001322013.2); c.1513-15G>A (NM_001322012.2, NM_001322011.2); c.2137-15G>A (NM_001322015.2); c.2290-15G>A (NM_001322006.2); c.2479-15G>A (NM_001322014.2); and 1 more.
Identifiers: ClinVar variation 1577236 (VCV001577236.9), dbSNP rs2128659545, ClinGen allele CA2573141930.

ClinVar aggregate classification (germline): Likely benign. Review status: criteria provided, multiple submitters, no conflicts (2 of 4 stars). 2 submissions from 2 submitters: Likely benign (2). Last evaluated 2025-08-04.

Conditions:
Lynch syndrome 4 (LYNCH4). Also called: Colorectal cancer, hereditary nonpolyposis, type 4; Hereditary non-polyposis colorectal cancer, type 4. Identifiers: Orphanet 144, MedGen C1838333, MONDO:0013699, OMIM 614337. Disease mechanism: loss of function.
Hereditary nonpolyposis colorectal neoplasms. Identifiers: MedGen C0009405, MeSH D003123.

Submissions (2):

Labcorp Genetics (formerly Invitae), Labcorp
Classification: Likely benign for Hereditary nonpolyposis colorectal neoplasms. Last evaluated: 2025-08-04. Review status: criteria provided, single submitter. Criteria: Invitae Variant Classification Sherloc (09022015). Collection method: clinical testing. Allele origin: germline.

Myriad Genetics, Inc.
Classification: Likely benign for Lynch syndrome 4. Last evaluated: 2025-02-04. Review status: criteria provided, single submitter. Criteria: Myriad Autosomal Dominant, Autosomal Recessive and X-Linked Classification Criteria (2023). Collection method: clinical testing. Allele origin: unknown.
Comment: This variant is considered likely benign. This variant is intronic and is not expected to impact mRNA splicing.